The following is an entry in ClinVar:

ClinVar aggregate classification (germline): Uncertain significance (1 of 4 stars; one submission).

Conditions:
Developmental and epileptic encephalopathy, 42 (DEE42A). Also called: Epileptic encephalopathy, early infantile, 42; DEVELOPMENTAL AND EPILEPTIC ENCEPHALOPATHY 42A; EPILEPTIC ENCEPHALOPATHY, EARLY INFANTILE, 42A. Identifiers: MedGen C4310716, MONDO:0014917, OMIM 617106.
Episodic ataxia type 2 (EA2). Also called: ACETAZOLAMIDE-RESPONSIVE HEREDITARY PAROXYSMAL CEREBELLAR ATAXIA; ATAXIA, EPISODIC, WITH NYSTAGMUS; ATAXIA, FAMILIAL PAROXYSMAL; CEREBELLAR ATAXIA, PAROXYSMAL, ACETAZOLAMIDE-RESPONSIVE; CEREBELLOPATHY, HEREDITARY PAROXYSMAL; EPISODIC ATAXIA, NYSTAGMUS-ASSOCIATED. Identifiers: Orphanet 97, MedGen C1720416, MONDO:0007163, OMIM 108500.

Allele frequency attached by ClinVar (database versions not stated): gnomAD exomes 0.00001; gnomAD 0.00001; ExAC 0.00001; TOPMed 0.00002.
gnomAD v4.1: 12 of 1,528,768 alleles (0.00078%); highest among the groups gnomAD compares: Non-Finnish European, 0.0011%; no homozygotes.

Submission:

Labcorp Genetics (formerly Invitae), Labcorp
Classification: Uncertain significance for Developmental and epileptic encephalopathy, 42; Episodic ataxia type 2. Last evaluated: 2026-01-21. Review status: criteria provided, single submitter. Criteria: Invitae Variant Classification Sherloc (09022015). Collection method: clinical testing. Allele origin: germline.
Comment: This sequence change replaces proline, which is neutral and non-polar, with arginine, which is basic and polar, at codon 1173 of the CACNA1A protein (p.Pro1173Arg). This variant is present in population databases (rs16028, gnomAD 0.002%). This variant has not been reported in the literature in individuals affected with CACNA1A-related conditions. ClinVar contains an entry for this variant (Variation ID: 1004865). Invitae Evidence Modeling of protein sequence and biophysical properties (such as structural, functional, and spatial information, amino acid conservation, physicochemical variation, residue mobility, and thermodynamic stability) indicates that this missense variant is not expected to disrupt CACNA1A protein function with a negative predictive value of 95%. In summary, the available evidence is currently insufficient to determine the role of this variant in disease. Therefore, it has been classified as a Variant of Uncertain Significance.

NM_001127222.2(CACNA1A):c.3515C>G (p.Pro1172Arg)

Gene: CACNA1A (calcium voltage-gated channel subunit alpha1 A; minus strand). Cytogenetic location: 19p13.13.
Variant type: single nucleotide variant.
Coding change: c.3515C>G on transcript NM_001127222.2 (MANE Select); coding-DNA position 3515, C replaced by G.
Protein change: p.Pro1172Arg; replaces proline 1172 with arginine.
Molecular consequence: missense variant.
Genome position (GRCh38, 1-based): chr19:13,286,541, G>C on the plus strand (C>G on the coding strand, the complement: CACNA1A is on the minus strand). VCF-style: chr19-13286541-G-C. GRCh37 (hg19) VCF-style: chr19-13397355-G-C.
Other names: c.3527C>G, p.Pro1176Arg (NM_000068.4, NM_023035.3); c.3518C>G, p.Pro1173Arg (NM_001127221.2, NM_001174080.2); short protein forms P1172R, P1173R, P1176R.
Identifiers: ClinVar variation 1004865 (VCV001004865.9), dbSNP rs16028, ClinGen allele CA9240301.